The following is an entry in ClinVar:

NM_001009944.3(PKD1):c.7065+2T>C

Gene: PKD1 (polycystin 1, transient receptor potential channel interacting; minus strand). Cytogenetic location: 16p13.3.
Variant type: single nucleotide variant.
Coding change: c.7065+2T>C on transcript NM_001009944.3 (MANE Select); the canonical splice donor site of the intron after coding-DNA position 7065, T replaced by C.
Molecular consequence: splice donor variant.
Genome position (GRCh38, 1-based): chr16:2,107,881, A>G on the plus strand (T>C on the coding strand, the complement: PKD1 is on the minus strand). VCF-style: chr16-2107881-A-G. GRCh37 (hg19) VCF-style: chr16-2157882-A-G.
Other names: c.7065+2T>C (NM_000296.4).
Identifiers: ClinVar variation 3579301 (VCV003579301.2).

ClinVar aggregate classification (germline): Likely pathogenic. Review status: criteria provided, multiple submitters, no conflicts (2 of 4 stars). 2 submissions from 2 submitters: Likely pathogenic (2). Last evaluated 2026-02-04.

Conditions:
Polycystic kidney disease, adult type (PKD1). Also called: Polycystic Kidney Disease 1, Autosomal Dominant; Polycystic kidney disease 1; Polycystic kidney disease 1, severe; Polycystic Kidney, Autosomal Dominant; POLYCYSTIC KIDNEY DISEASE 1 WITH OR WITHOUT POLYCYSTIC LIVER DISEASE; POLYCYSTIC KIDNEY DISEASE, ADULT, TYPE I. Identifiers: MedGen C3149841, MONDO:0008263, OMIM 173900.

Submissions (2):

Women's Health and Genetics/Laboratory Corporation of America, LabCorp
Classification: Likely pathogenic for Polycystic kidney disease, adult type. Last evaluated: 2026-02-04. Review status: criteria provided, single submitter. Criteria: LabCorp Variant Classification Summary - May 2015. Collection method: clinical testing. Allele origin: germline.
Comment: Variant summary: PKD1 c.7065+2T>C is located in a canonical splice-site and is predicted to affect mRNA splicing resulting in a significantly altered protein due to either exon skipping, shortening, or inclusion of intronic material. Variants that disrupt the consensus splice site are a relatively common cause of aberrant splicing and loss of PKD1 function. Several computational tools predict a significant impact on normal splicing: Four predict the variant abolishes a canonical 5' splicing donor site. However, these predictions have yet to be confirmed by functional studies. The variant was absent in 144224 control chromosomes. To our knowledge, no occurrence of c.7065+2T>C in individuals affected with PKD1-related conditions and no experimental evidence demonstrating its impact on protein function have been reported. ClinVar contains an entry for this variant (Variation ID: 3579301). Based on the evidence outlined above, the variant was classified as likely pathogenic.

Fulgent Genetics
Classification: Likely pathogenic for Polycystic kidney disease, adult type. Last evaluated: 2024-02-02. Review status: criteria provided, single submitter. Criteria: ACMG Guidelines, 2015. Collection method: clinical testing. Allele origin: germline.